The following is an entry in ClinVar:

ClinVar aggregate classification (germline): Uncertain significance (1 of 4 stars; one submission).

gnomAD v4.1: 1 of 1,599,182 alleles (0.000063%); highest among the groups gnomAD compares: Admixed American, 0.0017%; no homozygotes.

Submission:

GeneDx
Classification: Uncertain significance. Last evaluated: 2025-06-04. Review status: criteria provided, single submitter. Criteria: GeneDx Variant Classification Process June 2021. Collection method: clinical testing. Allele origin: germline. Affected: yes.
Comment: Not observed at significant frequency in large population cohorts (gnomAD); In silico analysis suggests that this missense variant does not alter protein structure/function; Has not been previously published as pathogenic or benign to our knowledge

NM_001170629.2(CHD8):c.590G>A (p.Gly197Asp)

Gene: CHD8 (chromodomain helicase DNA binding protein 8; minus strand). Cytogenetic location: 14q11.2.
Variant type: single nucleotide variant.
Coding change: c.590G>A on transcript NM_001170629.2 (MANE Select); coding-DNA position 590, G replaced by A.
Protein change: p.Gly197Asp; replaces glycine 197 with aspartic acid.
Molecular consequence: missense variant. On other transcripts: intron variant (1).
Genome position (GRCh38, 1-based): chr14:21,431,054, C>T on the plus strand (G>A on the coding strand, the complement: CHD8 is on the minus strand). VCF-style: chr14-21431054-C-T. GRCh37 (hg19) VCF-style: chr14-21899213-C-T.
Other names: c.6+757G>A (NM_020920.4); short protein forms G197D.
Identifiers: ClinVar variation 4536443 (VCV004536443.1).